The following is an entry in ClinVar:

NM_001195553.2(DCX):c.883G>A (p.Ala295Thr)

Gene: DCX (doublecortin; minus strand). Cytogenetic location: Xq23.
Variant type: single nucleotide variant.
Coding change: c.883G>A on transcript NM_001195553.2 (MANE Select); coding-DNA position 883, G replaced by A.
Protein change: p.Ala295Thr; replaces alanine 295 with threonine.
Molecular consequence: missense variant.
Genome position (GRCh38, 1-based): chrX:111,330,967, C>T on the plus strand (G>A on the coding strand, the complement: DCX is on the minus strand). VCF-style: chrX-111330967-C-T. GRCh37 (hg19) VCF-style: chrX-110574195-C-T.
Other names: p.Ala295Thr; c.883G>A (NM_178153.2); c.883G>A, p.Ala295Thr (NM_178151.3, NM_178152.3, NM_178153.3 and 6 more transcripts); c.1126G>A, p.Ala376Thr (NM_000555.3); short protein forms A295T, A376T.
Identifiers: ClinVar variation 3380751 (VCV003380751.4).

ClinVar aggregate classification (germline): Uncertain significance. Review status: criteria provided, multiple submitters, no conflicts (2 of 4 stars). 3 submissions from 3 submitters: Uncertain significance (3). Last evaluated 2025-04-16.

Conditions:
Inborn genetic diseases. Identifiers: MedGen C0950123, MeSH D030342.

Submissions (3):

Ambry Genetics
Classification: Uncertain significance for Inborn genetic diseases. Last evaluated: 2025-04-16. Review status: criteria provided, single submitter. Criteria: Ambry Variant Classification Scheme 2023. Collection method: clinical testing. Allele origin: germline.

Labcorp Genetics (formerly Invitae), Labcorp
Classification: Uncertain significance. Last evaluated: 2025-02-11. Review status: criteria provided, single submitter. Criteria: Invitae Variant Classification Sherloc (09022015). Collection method: clinical testing. Allele origin: germline.
Comment: This sequence change replaces alanine, which is neutral and non-polar, with threonine, which is neutral and polar, at codon 295 of the DCX protein (p.Ala295Thr). This variant is present in population databases (no rsID available, gnomAD 0.004%). This variant has not been reported in the literature in individuals affected with DCX-related conditions. ClinVar contains an entry for this variant (Variation ID: 3380751). Invitae Evidence Modeling of protein sequence and biophysical properties (such as structural, functional, and spatial information, amino acid conservation, physicochemical variation, residue mobility, and thermodynamic stability) indicates that this missense variant is not expected to disrupt DCX protein function with a negative predictive value of 80%. In summary, the available evidence is currently insufficient to determine the role of this variant in disease. Therefore, it has been classified as a Variant of Uncertain Significance.

Mayo Clinic Laboratories, Mayo Clinic
Classification: Uncertain significance. Last evaluated: 2024-04-05. Review status: criteria provided, single submitter. Criteria: ACMG Guidelines, 2015. Collection method: clinical testing. Allele origin: germline. Observed: 1 variant allele.
Comment: BP4